The following is an entry in ClinVar:

NM_000064.4(C3):c.2540T>G (p.Ile847Ser)

Gene: C3 (complement C3; minus strand). Cytogenetic location: 19p13.3.
Variant type: single nucleotide variant.
Coding change: c.2540T>G on transcript NM_000064.4 (MANE Select); coding-DNA position 2540, T replaced by G.
Protein change: p.Ile847Ser; replaces isoleucine 847 with serine.
Molecular consequence: missense variant.
Genome position (GRCh38, 1-based): chr19:6,697,695, A>C on the plus strand (T>G on the coding strand, the complement: C3 is on the minus strand). VCF-style: chr19-6697695-A-C. GRCh37 (hg19) VCF-style: chr19-6697706-A-C.
Other names: short protein forms I847S.
Identifiers: ClinVar variation 3645246 (VCV003645246.2).

ClinVar aggregate classification (germline): Uncertain significance (1 of 4 stars; one submission).

Submission:

Labcorp Genetics (formerly Invitae), Labcorp
Classification: Uncertain significance. Last evaluated: 2024-05-17. Review status: criteria provided, single submitter. Criteria: Invitae Variant Classification Sherloc (09022015). Collection method: clinical testing. Allele origin: germline.
Comment: This sequence change replaces isoleucine, which is neutral and non-polar, with serine, which is neutral and polar, at codon 847 of the C3 protein (p.Ile847Ser). This variant is present in population databases (no rsID available, gnomAD 0.0009%). This variant has not been reported in the literature in individuals affected with C3-related conditions. Advanced modeling of protein sequence and biophysical properties (such as structural, functional, and spatial information, amino acid conservation, physicochemical variation, residue mobility, and thermodynamic stability) performed at Invitae indicates that this missense variant is expected to disrupt C3 protein function with a positive predictive value of 80%. In summary, the available evidence is currently insufficient to determine the role of this variant in disease. Therefore, it has been classified as a Variant of Uncertain Significance.